The following is an entry in ClinVar:

NM_000815.5(GABRD):c.414G>A (p.Thr138=)

Gene: GABRD (gamma-aminobutyric acid type A receptor subunit delta; plus strand). Cytogenetic location: 1p36.33.
Variant type: single nucleotide variant.
Coding change: c.414G>A on transcript NM_000815.5 (MANE Select); coding-DNA position 414, G replaced by A.
Protein change: p.Thr138=; no amino-acid change (threonine 138 retained).
Molecular consequence: synonymous variant.
Genome position (GRCh38, 1-based): chr1:2,025,682, G>A. VCF-style: chr1-2025682-G-A. GRCh37 (hg19) VCF-style: chr1-1957121-G-A.
Identifiers: ClinVar variation 460010 (VCV000460010.15), dbSNP rs77892827, ClinGen allele CA534634.

ClinVar aggregate classification (germline): Benign. Review status: criteria provided, multiple submitters, no conflicts (2 of 4 stars). 3 submissions from 3 submitters: Benign (2). 1 of the submissions does not count toward it. Last evaluated 2026-01-27.

Conditions:
Idiopathic generalized epilepsy. Also called: EIG; Generalised epilepsy. Identifiers: MedGen C0270850, MONDO:0005579, OMIM 600669.
GABRD-related disorder. Also called: GABRD-related condition.
Epilepsy, idiopathic generalized, susceptibility to, 10. Identifiers: MedGen C2751603, MONDO:0013103, OMIM 613060.

Allele frequency attached by ClinVar (database versions not stated): gnomAD exomes 0.00051 and 0.00116; ExAC 0.00149; 1000 Genomes Project 0.00339; 1000 Genomes Project 30x 0.00406; gnomAD 0.00437 and 0.00480; ESP Exome Variant Server 0.00507; TOPMed 0.00521.
gnomAD v4.1: 1,465 of 1,613,010 alleles (0.091%); highest among the groups gnomAD compares: African/African-American, 1.6%; 10 homozygotes.

Submissions (3):

Labcorp Genetics (formerly Invitae), Labcorp
Classification: Benign for Idiopathic generalized epilepsy. Last evaluated: 2026-01-27. Review status: criteria provided, single submitter. Criteria: Invitae Variant Classification Sherloc (09022015). Collection method: clinical testing. Allele origin: germline.

ARUP Laboratories, Molecular Genetics and Genomics, ARUP Laboratories
Classification: Benign for Epilepsy, idiopathic generalized, susceptibility to, 10. Last evaluated: 2025-02-28. Review status: criteria provided, single submitter. Criteria: ARUP Molecular Germline Variant Investigation Process 2024. Collection method: clinical testing. Allele origin: germline.

PreventionGenetics, part of Exact Sciences
Classification: Benign for GABRD-related condition. Last evaluated: 2019-09-09. Review status: no assertion criteria provided. Collection method: clinical testing. Allele origin: germline. Not counted in ClinVar's aggregate classification.
Comment: This variant is classified as benign based on ACMG/AMP sequence variant interpretation guidelines (Richards et al. 2015 PMID: 25741868, with internal and published modifications).